The following is an entry in ClinVar:

NM_014363.6(SACS):c.9293del (p.Ile3098fs)

Gene: SACS (sacsin molecular chaperone; minus strand). Cytogenetic location: 13q12.12.
Variant type: Deletion.
Coding change: c.9293del on transcript NM_014363.6 (MANE Select); coding-DNA position 9293, one base deleted (T; older notation c.9293delT).
Protein change: p.Ile3098fs; shifts the reading frame from isoleucine 3098.
Molecular consequence: frameshift variant.
Genome position (GRCh38, 1-based): chr13:23,334,583, A deleted on the plus strand (T on the coding strand, the reverse complement: SACS is on the minus strand). VCF-style (leftmost placement, unchanged base first): chr13-23334582-GA-G. GRCh37 (hg19) VCF-style: chr13-23908721-GA-G.
Other names: p.Ile3098Thrfs*5; c.8852del, p.Ile2951fs (NM_001278055.2); short protein forms I2951fs, I3098fs.
Identifiers: ClinVar variation 2682944 (VCV002682944.1), dbSNP rs2542204471, ClinGen allele CA2697551684.
Genomic context (GRCh38, chr13:23,334,582, plus strand): 5'-AGGCAGCTTCCCAATATGGCAATTAGTGTCAGGAGAGGAAAATGTCATTAAAAAAGATCT[GA>G]TATCAGCAGGGGTCACATAACTAACAGGAATATCTGCATCTATAAGACAGTGGTAAAGAT-3'

ClinVar aggregate classification (germline): Likely pathogenic (1 of 4 stars; one submission).

Submission:

Mayo Clinic Laboratories, Mayo Clinic
Classification: Likely pathogenic. Last evaluated: 2023-06-12. Review status: criteria provided, single submitter. Criteria: ACMG Guidelines, 2015. Collection method: clinical testing. Allele origin: germline. Observed: 1 variant allele.
Comment: PM2, PVS1_strong